The following is an entry in ClinVar:

NM_175875.5(SIX5):c.-7G>A

Genes: DM1-AS (DM1 locus antisense RNA; plus strand), SIX5 (SIX homeobox 5; minus strand), LOC107075317 (origin of replication in DMPK trinucleotide repeat region; plus strand). Cytogenetic location: 19q13.32.
Variant type: single nucleotide variant.
Coding change: c.-7G>A on transcript NM_175875.5 (MANE Select); 7 bases upstream of the start codon, G replaced by A.
Molecular consequence: 5 prime UTR variant.
Genome position (GRCh38, 1-based): chr19:45,768,851, C>T on the plus strand (G>A on the coding strand, the complement: SIX5 is on the minus strand). VCF-style: chr19-45768851-C-T. GRCh37 (hg19) VCF-style: chr19-46272109-C-T.
Identifiers: ClinVar variation 3353929 (VCV003353929.2).

ClinVar aggregate classification (germline): Likely benign. Review status: criteria provided, single submitter (1 of 4 stars). 2 submissions from 2 submitters: Likely benign (1). 1 of the submissions does not count toward it. Last evaluated 2022-12-23.

Conditions:
SIX5-related disorder. Also called: SIX5-related condition.

Submissions (2):

Blueprint Genetics
Classification: Likely benign. Last evaluated: 2022-12-23. Review status: criteria provided, single submitter. Criteria: ACMG Guidelines, 2015. Collection method: clinical testing. Allele origin: germline.

PreventionGenetics, part of Exact Sciences
Classification: Likely benign for SIX5-related condition. Last evaluated: 2024-03-04. Review status: no assertion criteria provided. Collection method: clinical testing. Allele origin: germline. Not counted in ClinVar's aggregate classification.
Comment: This variant is classified as likely benign based on ACMG/AMP sequence variant interpretation guidelines (Richards et al. 2015 PMID: 25741868, with internal and published modifications).